The following is an entry in ClinVar:

NM_153460.4(IL17RC):c.2133C>G (p.Gly711=)

Genes: CRELD1 (CRELD disulfide isomerase 1; plus strand), IL17RC (interleukin 17 receptor C; plus strand), LOC129936144 (ATAC-STARR-seq lymphoblastoid silent region 14051; plus strand). Cytogenetic location: 3p25.3.
Variant type: single nucleotide variant.
Coding change: c.2133C>G on transcript NM_153460.4 (MANE Select); coding-DNA position 2133, C replaced by G.
Protein change: p.Gly711=; no amino-acid change (glycine 711 retained).
Molecular consequence: synonymous variant. On other transcripts: non-coding transcript variant (1).
Genome position (GRCh38, 1-based): chr3:9,933,563, C>G. VCF-style: chr3-9933563-C-G. GRCh37 (hg19) VCF-style: chr3-9975247-C-G.
Other names: p.Gly782=; c.2094C>G, p.Gly698= (NM_001203263.2); c.2043C>G, p.Gly681= (NM_001203264.2); c.2037C>G, p.Gly679= (NM_001203265.2); c.2055C>G, p.Gly685= (NM_001367278.1); c.1974C>G, p.Gly658= (NM_001367279.1); c.2049C>G, p.Gly683= (NM_001367280.1); c.2088C>G, p.Gly696= (NM_032732.6); and 2 more.
Identifiers: ClinVar variation 1164864 (VCV001164864.17), dbSNP rs183956, ClinGen allele CA2247507.

ClinVar aggregate classification (germline): Benign/Likely benign. Review status: criteria provided, multiple submitters, no conflicts (2 of 4 stars). 7 submissions from 7 submitters: Benign (6); Likely benign (1). Last evaluated 2026-02-04.

Conditions:
Candidiasis, familial, 9 (CANDF9). Identifiers: Orphanet 1334, MedGen C4225324, MONDO:0014642, OMIM 616445.

Allele frequency attached by ClinVar (database versions not stated): TOPMed 0.98528; gnomAD 0.98560 and 0.98585; 1000 Genomes Project 0.98722; ESP Exome Variant Server 0.98796; 1000 Genomes Project 30x 0.98813; gnomAD exomes 0.98943; ExAC 0.98957.
gnomAD v4.1: 1,587,937 of 1,606,730 alleles (99%); highest among the groups gnomAD compares: East Asian, 100%; 784,716 homozygotes.

Submissions (7):

Labcorp Genetics (formerly Invitae), Labcorp
Classification: Benign for Candidiasis, familial, 9. Last evaluated: 2026-02-04. Review status: criteria provided, single submitter. Criteria: Invitae Variant Classification Sherloc (09022015). Collection method: clinical testing. Allele origin: germline.

Blueprint Genetics
Classification: Likely benign. Last evaluated: 2024-11-26. Review status: criteria provided, single submitter. Criteria: ACMG Guidelines, 2015. Collection method: clinical testing. Allele origin: germline.

Unidad de Genómica Garrahan, Hospital de Pediatría Garrahan
Classification: Benign. Last evaluated: 2024-01-24. Review status: criteria provided, single submitter. Criteria: ACMG Guidelines, 2015. Collection method: clinical testing. Allele origin: germline. Affected: no. Observed: 95 variant alleles.
Comment: This variant is classified as Benign based on local population frequency. This variant was detected in 100% of patients studied by a panel of primary immunodeficiencies. Number of patients: 95. Only high quality variants are reported.

Mayo Clinic Laboratories, Mayo Clinic
Classification: Benign. Last evaluated: 2022-09-06. Review status: criteria provided, single submitter. Criteria: ACMG Guidelines, 2015. Collection method: clinical testing. Allele origin: germline. Observed: 105 variant alleles.

Genome-Nilou Lab
Classification: Benign for Candidiasis, familial, 9. Last evaluated: 2021-08-19. Review status: criteria provided, single submitter. Criteria: ACMG Guidelines, 2015. Collection method: clinical testing. Allele origin: germline. Affected: no.

GeneDx
Classification: Benign. Last evaluated: 2018-11-10. Review status: criteria provided, single submitter. Criteria: GeneDx Variant Classification Process June 2021. Collection method: clinical testing. Allele origin: germline. Affected: yes.

Breakthrough Genomics
Classification: Benign. Review status: criteria provided, single submitter. Criteria: ACMG Guidelines, 2015. Collection method: not provided. Allele origin: germline. Inheritance: Autosomal recessive inheritance. Affected: yes.